The following is an entry in ClinVar:

ClinVar aggregate classification (germline): Uncertain significance (0 of 4 stars; one submission).

Conditions:
NRAP-related disorder. Also called: NRAP-related condition.

gnomAD v4.1: 24 of 1,612,956 alleles (0.0015%); highest among the groups gnomAD compares: Non-Finnish European, 0.002%; no homozygotes.

Submission:

PreventionGenetics, part of Exact Sciences
Classification: Uncertain significance for NRAP-related condition. Last evaluated: 2024-04-12. Review status: no assertion criteria provided. Collection method: clinical testing. Allele origin: germline.
Comment: The NRAP c.1514A>G variant is predicted to result in the amino acid substitution p.Gln505Arg. To our knowledge, this variant has not been reported in the literature. This variant is reported in 0.0035% of alleles in individuals of European (Non-Finnish) descent in gnomAD. At this time, the clinical significance of this variant is uncertain due to the absence of conclusive functional and genetic evidence.

NM_198060.4(NRAP):c.1514A>G (p.Gln505Arg)

Gene: NRAP (nebulin related anchoring protein; minus strand). Cytogenetic location: 10q25.3.
Variant type: single nucleotide variant.
Coding change: c.1514A>G on transcript NM_198060.4 (MANE Select); coding-DNA position 1514, A replaced by G.
Protein change: p.Gln505Arg; replaces glutamine 505 with arginine.
Molecular consequence: missense variant.
Genome position (GRCh38, 1-based): chr10:113,634,125, T>C on the plus strand (A>G on the coding strand, the complement: NRAP is on the minus strand). VCF-style: chr10-113634125-T-C. GRCh37 (hg19) VCF-style: chr10-115393884-T-C.
Other names: c.1514A>G, p.Gln505Arg (NM_001261463.2, NM_001322945.2); c.1409A>G, p.Gln470Arg (NM_006175.5); short protein forms Q470R, Q505R.
Identifiers: ClinVar variation 3355322 (VCV003355322.1).
Genomic context (GRCh38, chr10:113,634,125, plus strand): 5'-GCAATTTCAAGACCCCTACATCCAGCTGGGCAGGGACAGTTACTTACATGACTCAGCTGC[T>C]GGGCATTGATTTTGGCTTGAACAATCTGTGGGGTGTCAGTCACCGAGCTGTACTTCAACT-3'
Protein context (NP_932326.2, residues 495-515): PQIVQAKINA[Gln505Arg]QLSHVNYRAD